The following is an entry in ClinVar:

NM_014714.4(IFT140):c.424C>A (p.Pro142Thr)

Genes: IFT140 (intraflagellar transport 140; minus strand), LOC105371046 (uncharacterized LOC105371046; plus strand). Cytogenetic location: 16p13.3.
Variant type: single nucleotide variant.
Coding change: c.424C>A on transcript NM_014714.4 (MANE Select); coding-DNA position 424, C replaced by A.
Protein change: p.Pro142Thr; replaces proline 142 with threonine.
Molecular consequence: missense variant.
Genome position (GRCh38, 1-based): chr16:1,592,534, G>T on the plus strand (C>A on the coding strand, the complement: IFT140 is on the minus strand). VCF-style: chr16-1592534-G-T. GRCh37 (hg19) VCF-style: chr16-1642535-G-T.
Other names: short protein forms P142T.
Identifiers: ClinVar variation 3661882 (VCV003661882.2).

ClinVar aggregate classification (germline): Uncertain significance (1 of 4 stars; one submission).

Conditions:
Saldino-Mainzer syndrome (SRTD9). Also called: CONORENAL SYNDROME; Renal dysplasia, retinal pigmentary dystrophy, cerebellar ataxia and skeletal dysplasia; SHORT-RIB THORACIC DYSPLASIA 9 WITHOUT POLYDACTYLY; short-rib thoracic dysplasia 9 with or without polydactyly. Identifiers: Orphanet 140969, MedGen C1849437, MONDO:0009964, OMIM 266920.

Submission:

Labcorp Genetics (formerly Invitae), Labcorp
Classification: Uncertain significance for Saldino-Mainzer syndrome. Last evaluated: 2024-08-13. Review status: criteria provided, single submitter. Criteria: Invitae Variant Classification Sherloc (09022015). Collection method: clinical testing. Allele origin: germline.
Comment: This sequence change replaces proline, which is neutral and non-polar, with threonine, which is neutral and polar, at codon 142 of the IFT140 protein (p.Pro142Thr). This variant is not present in population databases (gnomAD no frequency). This variant has not been reported in the literature in individuals affected with IFT140-related conditions. Invitae Evidence Modeling of protein sequence and biophysical properties (such as structural, functional, and spatial information, amino acid conservation, physicochemical variation, residue mobility, and thermodynamic stability) indicates that this missense variant is not expected to disrupt IFT140 protein function with a negative predictive value of 95%. In summary, the available evidence is currently insufficient to determine the role of this variant in disease. Therefore, it has been classified as a Variant of Uncertain Significance.